The following is an entry in ClinVar:

ClinVar aggregate classification (germline): Likely pathogenic (1 of 4 stars; one submission).

Submission:

Labcorp Genetics (formerly Invitae), Labcorp
Classification: Likely pathogenic. Last evaluated: 2025-01-16. Review status: criteria provided, single submitter. Criteria: Invitae Variant Classification Sherloc (09022015). Collection method: clinical testing. Allele origin: germline.
Comment: This sequence change replaces leucine, which is neutral and non-polar, with valine, which is neutral and non-polar, at codon 28 of the GJB2 protein (p.Leu28Val). This variant is not present in population databases (gnomAD no frequency). This missense change has been observed in individual(s) with autosomal dominant syndromic deafness (internal data). In at least one individual the variant was observed to be de novo. ClinVar contains an entry for this variant (Variation ID: 2859053). Invitae Evidence Modeling of protein sequence and biophysical properties (such as structural, functional, and spatial information, amino acid conservation, physicochemical variation, residue mobility, and thermodynamic stability) has been performed for this missense variant. However, the output from this modeling did not meet the statistical confidence thresholds required to predict the impact of this variant on GJB2 protein function. In summary, the currently available evidence indicates that the variant is pathogenic, but additional data are needed to prove that conclusively. Therefore, this variant has been classified as Likely Pathogenic.

NM_004004.6(GJB2):c.82C>G (p.Leu28Val)

Gene: GJB2 (gap junction protein beta 2; minus strand). Cytogenetic location: 13q12.11.
Variant type: single nucleotide variant.
Coding change: c.82C>G on transcript NM_004004.6 (MANE Select); coding-DNA position 82, C replaced by G.
Protein change: p.Leu28Val; replaces leucine 28 with valine.
Molecular consequence: missense variant.
Genome position (GRCh38, 1-based): chr13:20,189,500, G>C on the plus strand (C>G on the coding strand, the complement: GJB2 is on the minus strand). VCF-style: chr13-20189500-G-C. GRCh37 (hg19) VCF-style: chr13-20763639-G-C.
Other names: short protein forms L28V.
Identifiers: ClinVar variation 2859053 (VCV002859053.3), dbSNP rs2500253148, ClinGen allele CA387462043.